The following is an entry in ClinVar:

NM_001089.3(ABCA3):c.4177C>T (p.Arg1393Trp)

Gene: ABCA3 (ATP binding cassette subfamily A member 3; minus strand). Cytogenetic location: 16p13.3.
Variant type: single nucleotide variant.
Coding change: c.4177C>T on transcript NM_001089.3 (MANE Select); coding-DNA position 4177, C replaced by T.
Protein change: p.Arg1393Trp; replaces arginine 1393 with tryptophan.
Molecular consequence: missense variant.
Genome position (GRCh38, 1-based): chr16:2,281,209, G>A on the plus strand (C>T on the coding strand, the complement: ABCA3 is on the minus strand). VCF-style: chr16-2281209-G-A. GRCh37 (hg19) VCF-style: chr16-2331210-G-A.
Other names: short protein forms R1393W.
Identifiers: ClinVar variation 1738459 (VCV001738459.2), dbSNP rs753160597, ClinGen allele CA7840211.

ClinVar aggregate classification (germline): Uncertain significance (1 of 4 stars; one submission).

Conditions:
Hereditary pulmonary alveolar proteinosis. Also called: Pulmonary surfactant metabolism dysfunction. Identifiers: Orphanet 264675, MedGen C3711368, MONDO:0012580.

Allele frequency attached by ClinVar (database versions not stated): gnomAD exomes 0.00001; TOPMed 0.00001; ExAC 0.00002.
gnomAD v4.1: 9 of 1,613,488 alleles (0.00056%); highest among the groups gnomAD compares: African/African-American, 0.0013%; no homozygotes.

Submission:

Ambry Genetics
Classification: Uncertain significance for Hereditary pulmonary alveolar proteinosis. Last evaluated: 2022-05-06. Review status: criteria provided, single submitter. Criteria: Ambry Variant Classification Scheme 2023. Collection method: clinical testing. Allele origin: germline.
Comment: The p.R1393W variant (also known as c.4177C>T), located in coding exon 25 of the ABCA3 gene, results from a C to T substitution at nucleotide position 4177. The arginine at codon 1393 is replaced by tryptophan, an amino acid with dissimilar properties. This amino acid position is conserved. In addition, the in silico prediction for this alteration is inconclusive. Since supporting evidence is limited at this time, the clinical significance of this alteration remains unclear.